The following is an entry in ClinVar:

ClinVar aggregate classification (germline): Conflicting classifications of pathogenicity. Review status: criteria provided, conflicting classifications (1 of 4 stars). 5 submissions from 5 submitters: Uncertain significance (1); Likely benign (4). Last evaluated 2026-04-01.

Conditions:
Greig cephalopolysyndactyly syndrome (GCPS). Also called: Greig syndrome; POLYSYNDACTYLY WITH PECULIAR SKULL SHAPE; GLI3-Related Greig Cephalopolysyndactyly Syndrome. Identifiers: Orphanet 380, MedGen C0265306, MONDO:0008287, OMIM 175700.
Pallister-Hall syndrome (PHS). Also called: HYPOTHALAMIC HAMARTOBLASTOMA, HYPOPITUITARISM, IMPERFORATE ANUS, AND POSTAXIAL POLYDACTYLY; GLI3-Related Pallister-Hall Syndrome. Identifiers: Orphanet 672, MedGen C0265220, MONDO:0007804, OMIM 146510.
GLI3-related disorder. Also called: GLI3-related condition; GLI3-related disorders. Identifiers: MedGen CN239292.
Inborn genetic diseases. Identifiers: MedGen C0950123, MeSH D030342.

Allele frequency attached by ClinVar (database versions not stated): gnomAD exomes 0.00004; ExAC 0.00016; gnomAD 0.00019; TOPMed 0.00023.
gnomAD v4.1: 89 of 1,614,074 alleles (0.0055%); highest among the groups gnomAD compares: Admixed American, 0.13%; no homozygotes.

Submissions (5):

CeGaT Center for Human Genetics Tuebingen
Classification: Likely benign. Last evaluated: 2026-04-01. Review status: criteria provided, single submitter. Criteria: CeGaT Center For Human Genetics Tuebingen Variant Classification Criteria Version 2. Collection method: clinical testing. Allele origin: germline. Affected: yes. Observed: 1 variant allele.
Comment: GLI3: BS1

Labcorp Genetics (formerly Invitae), Labcorp
Classification: Likely benign for Pallister-Hall syndrome; Greig cephalopolysyndactyly syndrome. Last evaluated: 2026-01-12. Review status: criteria provided, single submitter. Criteria: Invitae Variant Classification Sherloc (09022015). Collection method: clinical testing. Allele origin: germline.

PreventionGenetics, part of Exact Sciences
Classification: Likely benign for GLI3-related condition. Last evaluated: 2025-05-28. Review status: criteria provided, single submitter. Criteria: ACMG Guidelines, 2015. Collection method: clinical testing. Allele origin: germline.
Comment: This variant is classified as likely benign based on ACMG/AMP sequence variant interpretation guidelines (Richards et al. 2015 PMID: 25741868, with internal and published modifications).

Ambry Genetics
Classification: Likely benign for Inborn genetic diseases. Last evaluated: 2024-07-22. Review status: criteria provided, single submitter. Criteria: Ambry Variant Classification Scheme 2023. Collection method: clinical testing. Allele origin: germline.

GeneDx
Classification: Uncertain significance. Last evaluated: 2022-12-15. Review status: criteria provided, single submitter. Criteria: GeneDx Variant Classification Process June 2021. Collection method: clinical testing. Allele origin: germline. Affected: yes.
Comment: In silico analysis supports that this missense variant has a deleterious effect on protein structure/function; Has not been previously published as pathogenic or benign to our knowledge

NM_000168.6(GLI3):c.2257A>G (p.Thr753Ala)

Gene: GLI3 (GLI family zinc finger 3; minus strand). Cytogenetic location: 7p14.1.
Variant type: single nucleotide variant.
Coding change: c.2257A>G on transcript NM_000168.6 (MANE Select); coding-DNA position 2257, A replaced by G.
Protein change: p.Thr753Ala; replaces threonine 753 with alanine.
Molecular consequence: missense variant.
Genome position (GRCh38, 1-based): chr7:41,967,770, T>C on the plus strand (A>G on the coding strand, the complement: GLI3 is on the minus strand). VCF-style: chr7-41967770-T-C. GRCh37 (hg19) VCF-style: chr7-42007368-T-C.
Other names: short protein forms T753A.
Identifiers: ClinVar variation 1804406 (VCV001804406.10), dbSNP rs756698197, ClinGen allele CA4230651.